The following is an entry in ClinVar:

ClinVar aggregate classification (germline): Uncertain significance (1 of 4 stars; one submission).

Conditions:
Arterial tortuosity syndrome (ATORS). Identifiers: Orphanet 3342, MedGen C1859726, MONDO:0008818, OMIM 208050.

Allele frequency attached by ClinVar (database versions not stated): TOPMed below 0.00001; gnomAD 0.00001; gnomAD exomes 0.00001.
gnomAD v4.1: 18 of 1,614,042 alleles (0.0011%); highest among the groups gnomAD compares: Non-Finnish European, 0.0014%; no homozygotes.

Submission:

ARUP Laboratories, Molecular Genetics and Genomics, ARUP Laboratories
Classification: Uncertain significance for Arterial tortuosity syndrome. Last evaluated: 2023-03-29. Review status: criteria provided, single submitter. Criteria: ARUP Molecular Germline Variant Investigation Process 2024. Collection method: clinical testing. Allele origin: germline.
Comment: The SLC2A10 c.356G>A; p.Cys119Tyr variant (rs1167972669), to our knowledge, is not reported in the medical literature or gene specific databases. This variant is only observed on one allele in the Genome Aggregation Database, indicating it is not a common polymorphism. Computational analyses predict that this variant is deleterious (REVEL: 0.750). Due to limited information, the clinical significance of this variant is uncertain at this time.

NM_030777.4(SLC2A10):c.356G>A (p.Cys119Tyr)

Gene: SLC2A10 (solute carrier family 2 member 10; plus strand). Cytogenetic location: 20q13.12.
Variant type: single nucleotide variant.
Coding change: c.356G>A on transcript NM_030777.4 (MANE Select); coding-DNA position 356, G replaced by A.
Protein change: p.Cys119Tyr; replaces cysteine 119 with tyrosine.
Molecular consequence: missense variant.
Genome position (GRCh38, 1-based): chr20:46,725,392, G>A. VCF-style: chr20-46725392-G-A. GRCh37 (hg19) VCF-style: chr20-45354031-G-A.
Other names: short protein forms C119Y.
Identifiers: ClinVar variation 2921113 (VCV002921113.1), dbSNP rs1167972669, ClinGen allele CA409266848.